The following is an entry in ClinVar:

ClinVar aggregate classification (germline): Benign/Likely benign. Review status: criteria provided, multiple submitters, no conflicts (2 of 4 stars). 5 submissions from 5 submitters: Benign (1); Likely benign (4). Last evaluated 2025-08-06.

Conditions:
Hereditary cancer-predisposing syndrome. Also called: Hereditary Cancer Syndrome; Hereditary neoplastic syndrome; Neoplastic Syndromes, Hereditary; Tumor predisposition. Identifiers: Orphanet 140162, MedGen C0027672, MeSH D009386, MONDO:0015356.
Familial cancer of breast. Also called: hereditary breast carcinoma; Hereditary breast cancer; BREAST CANCER, FAMILIAL. Identifiers: Orphanet 227535, MedGen C0346153, MONDO:0016419, OMIM 114480. Disease mechanism: loss of function.

Allele frequency attached by ClinVar (database versions not stated): gnomAD exomes below 0.00001; ExAC 0.00001.
gnomAD v4.1: 5 of 1,614,154 alleles (0.00031%); highest among the groups gnomAD compares: Non-Finnish European, 0.00042%; no homozygotes.

Submissions (5):

Labcorp Genetics (formerly Invitae), Labcorp
Classification: Likely benign for Familial cancer of breast. Last evaluated: 2025-08-06. Review status: criteria provided, single submitter. Criteria: Invitae Variant Classification Sherloc (09022015). Collection method: clinical testing. Allele origin: germline.

Myriad Genetics, Inc.
Classification: Benign for Familial cancer of breast. Last evaluated: 2025-01-14. Review status: criteria provided, single submitter. Criteria: Myriad Autosomal Dominant, Autosomal Recessive and X-Linked Classification Criteria (2023). Collection method: clinical testing. Allele origin: unknown.
Comment: This variant is considered benign. This variant is a silent/synonymous amino acid change and it is not expected to impact splicing.

Color Diagnostics, LLC DBA Color Health
Classification: Likely benign for Hereditary cancer-predisposing syndrome. Last evaluated: 2018-06-04. Review status: criteria provided, single submitter. Criteria: ACMG Guidelines, 2015. Collection method: clinical testing. Allele origin: germline.

Ambry Genetics
Classification: Likely benign for Hereditary cancer-predisposing syndrome. Last evaluated: 2018-03-24. Review status: criteria provided, single submitter. Criteria: Ambry Variant Classification Scheme 2023. Collection method: clinical testing. Allele origin: germline.

GeneDx
Classification: Likely benign. Last evaluated: 2017-04-28. Review status: criteria provided, single submitter. Criteria: GeneDx Variant Classification (06012015). Collection method: clinical testing. Allele origin: germline. Affected: yes.
Comment: This variant is considered likely benign or benign based on one or more of the following criteria: it is a conservative change, it occurs at a poorly conserved position in the protein, it is predicted to be benign by multiple in silico algorithms, and/or has population frequency not consistent with disease.

NM_024675.4(PALB2):c.1812G>A (p.Leu604=)

Gene: PALB2 (partner and localizer of BRCA2; minus strand). Cytogenetic location: 16p12.2.
Variant type: single nucleotide variant.
Coding change: c.1812G>A on transcript NM_024675.4 (MANE Select); coding-DNA position 1812, G replaced by A.
Protein change: p.Leu604=; no amino-acid change (leucine 604 retained).
Molecular consequence: synonymous variant.
Genome position (GRCh38, 1-based): chr16:23,630,342, C>T on the plus strand (G>A on the coding strand, the complement: PALB2 is on the minus strand). VCF-style: chr16-23630342-C-T. GRCh37 (hg19) VCF-style: chr16-23641663-C-T.
Identifiers: ClinVar variation 385597 (VCV000385597.16), dbSNP rs1057522269, ClinGen allele CA7963657.